The following is an entry in ClinVar:

ClinVar aggregate classification (germline): Likely benign. Review status: criteria provided, multiple submitters, no conflicts (2 of 4 stars). 3 submissions from 3 submitters: Likely benign (3). Last evaluated 2025-11-18.

Conditions:
Charcot-Marie-Tooth disease type 2. Also called: Charcot-Marie-Tooth type 2. Identifiers: Orphanet 64746, MedGen C0270914, MONDO:0018993.
MFN2-related disorder. Also called: MFN2-related disorders; MFN2-related condition.

Allele frequency attached by ClinVar (database versions not stated): ExAC 0.00002; TOPMed 0.00002; gnomAD 0.00003 and 0.00004; ESP Exome Variant Server 0.00008.
gnomAD v4.1: 68 of 1,614,058 alleles (0.0042%); highest among the groups gnomAD compares: Non-Finnish European, 0.0056%; no homozygotes.

Submissions (3):

PreventionGenetics, part of Exact Sciences
Classification: Likely benign for MFN2-related condition. Last evaluated: 2025-11-18. Review status: criteria provided, single submitter. Criteria: ACMG Guidelines, 2015. Collection method: clinical testing. Allele origin: germline.
Comment: This variant is classified as likely benign based on ACMG/AMP sequence variant interpretation guidelines (Richards et al. 2015 PMID: 25741868, with internal and published modifications).

Labcorp Genetics (formerly Invitae), Labcorp
Classification: Likely benign for Charcot-Marie-Tooth disease type 2. Last evaluated: 2025-04-16. Review status: criteria provided, single submitter. Criteria: Invitae Variant Classification Sherloc (09022015). Collection method: clinical testing. Allele origin: germline.

Blueprint Genetics
Classification: Likely benign. Last evaluated: 2024-10-09. Review status: criteria provided, single submitter. Criteria: ACMG Guidelines, 2015. Collection method: clinical testing. Allele origin: germline.

NM_014874.4(MFN2):c.933C>T (p.Asn311=)

Gene: MFN2 (mitofusin 2; plus strand). Cytogenetic location: 1p36.22.
Variant type: single nucleotide variant.
Coding change: c.933C>T on transcript NM_014874.4 (MANE Select); coding-DNA position 933, C replaced by T.
Protein change: p.Asn311=; no amino-acid change (asparagine 311 retained).
Molecular consequence: synonymous variant.
Genome position (GRCh38, 1-based): chr1:12,001,517, C>T. VCF-style: chr1-12001517-C-T. GRCh37 (hg19) VCF-style: chr1-12061574-C-T.
Other names: c.933C>T (NM_014874.3); c.933C>T, p.Asn311= (NM_001127660.2).
Identifiers: ClinVar variation 1150676 (VCV001150676.11), dbSNP rs150857365, ClinGen allele CA598963.